The following is an entry in ClinVar:

ClinVar aggregate classification (germline): Uncertain significance (1 of 4 stars; one submission).

Conditions:
Hereditary cancer-predisposing syndrome. Also called: Neoplastic Syndromes, Hereditary; Tumor predisposition; Hereditary Cancer Syndrome; Hereditary neoplastic syndrome. Identifiers: Orphanet 140162, MedGen C0027672, MeSH D009386, MONDO:0015356.

gnomAD v4.1: 1 of 1,614,170 alleles (0.000062%); no homozygotes.

Submission:

Ambry Genetics
Classification: Uncertain significance for Hereditary cancer-predisposing syndrome. Last evaluated: 2026-01-15. Review status: criteria provided, single submitter. Criteria: Ambry Variant Classification Scheme 2023. Collection method: clinical testing. Allele origin: germline.
Comment: The p.H237Q variant (also known as c.711C>G), located in coding exon 3 of the XRCC2 gene, results from a C to G substitution at nucleotide position 711. The histidine at codon 237 is replaced by glutamine, an amino acid with highly similar properties. This amino acid position is conserved. In addition, this alteration is predicted to be tolerated by in silico analysis. Based on the available evidence, the clinical significance of this variant remains unclear.

NM_005431.2(XRCC2):c.711C>G (p.His237Gln)

Gene: XRCC2 (X-ray repair cross complementing 2; minus strand). Cytogenetic location: 7q36.1.
Variant type: single nucleotide variant.
Coding change: c.711C>G on transcript NM_005431.2 (MANE Select); coding-DNA position 711, C replaced by G.
Protein change: p.His237Gln; replaces histidine 237 with glutamine.
Molecular consequence: missense variant.
Genome position (GRCh38, 1-based): chr7:152,648,774, G>C on the plus strand (C>G on the coding strand, the complement: XRCC2 is on the minus strand). VCF-style: chr7-152648774-G-C. GRCh37 (hg19) VCF-style: chr7-152345859-G-C.
Other names: short protein forms H237Q.
Identifiers: ClinVar variation 4844166 (VCV004844166.1).